The following is an entry in ClinVar:

NM_000539.3(RHO):c.133T>C (p.Phe45Leu)

Gene: RHO (rhodopsin; plus strand). Cytogenetic location: 3q22.1.
Variant type: single nucleotide variant.
Coding change: c.133T>C on transcript NM_000539.3 (MANE Select); coding-DNA position 133, T replaced by C.
Protein change: p.Phe45Leu; replaces phenylalanine 45 with leucine.
Molecular consequence: missense variant.
Genome position (GRCh38, 1-based): chr3:129,528,866, T>C. VCF-style: chr3-129528866-T-C. GRCh37 (hg19) VCF-style: chr3-129247709-T-C.
Other names: short protein forms F45L.
Identifiers: ClinVar variation 13019 (VCV000013019.6), dbSNP rs104893770, ClinGen allele CA256666.

ClinVar aggregate classification (germline): Uncertain significance. Review status: criteria provided, multiple submitters, no conflicts (2 of 4 stars). 4 submissions from 4 submitters: Uncertain significance (3). 1 of the submissions does not count toward it. Last evaluated 2026-06-10.

Conditions:
RHO-related disorder. Also called: RHO-related condition.
Retinitis pigmentosa 4 (RP4). Also called: RETINITIS PIGMENTOSA, RHODOPSIN-RELATED. Identifiers: Orphanet 791, MedGen C3151001, MONDO:0013395, OMIM 613731.

Allele frequency attached by ClinVar (database versions not stated): ExAC 0.00001; gnomAD exomes 0.00002 and 0.00013; gnomAD 0.00006; TOPMed 0.00007; 1000 Genomes Project 30x 0.00016; 1000 Genomes Project 0.00020.

Submissions (4):

PreventionGenetics, part of Exact Sciences
Classification: Uncertain significance for RHO-related condition. Last evaluated: 2026-06-10. Review status: criteria provided, single submitter. Criteria: ACMG Guidelines, 2015. Collection method: clinical testing. Allele origin: germline.
Comment: The RHO c.133T>C variant is predicted to result in the amino acid substitution p.Phe45Leu. This variant has been reported in a individual with retinitis pigmentosa (Sung et al. 1991. PubMed ID: 1862076). However, it has also been identified in unaffected individuals (Vincent et al. 2013. PubMed ID: 24049715). Reports of the impact of this variant on protein function have been conflicting (Rakoczy et al. 2010. PubMed ID: 21094163; Davies et al. 2012. PubMed ID: 22791210). This variant is reported in 0.0080% of alleles in individuals of African descent in gnomAD. At this time, the clinical significance of this variant is uncertain due to the absence of conclusive functional and genetic evidence.

Blueprint Genetics
Classification: Uncertain significance. Last evaluated: 2024-05-24. Review status: criteria provided, single submitter. Criteria: ACMG Guidelines, 2015. Collection method: clinical testing. Allele origin: germline.

Labcorp Genetics (formerly Invitae), Labcorp
Classification: Uncertain significance. Last evaluated: 2022-11-01. Review status: criteria provided, single submitter. Criteria: Invitae Variant Classification Sherloc (09022015). Collection method: clinical testing. Allele origin: germline.
Comment: This sequence change replaces phenylalanine, which is neutral and non-polar, with leucine, which is neutral and non-polar, at codon 45 of the RHO protein (p.Phe45Leu). This variant is present in population databases (rs104893770, gnomAD 0.008%). This missense change has been observed in individuals with autosomal dominant retinitis pigmentosa (PMID: 1862076, 10967073, 19958124, 22791210). It has also been observed to segregate with disease in related individuals. ClinVar contains an entry for this variant (Variation ID: 13019). Advanced modeling of protein sequence and biophysical properties (such as structural, functional, and spatial information, amino acid conservation, physicochemical variation, residue mobility, and thermodynamic stability) performed at Invitae indicates that this missense variant is not expected to disrupt RHO protein function. Experimental studies are conflicting or provide insufficient evidence to determine the effect of this variant on RHO function (PMID: 19913029, 22791210, 27694816, 30240733). In summary, the available evidence is currently insufficient to determine the role of this variant in disease. Therefore, it has been classified as a Variant of Uncertain Significance.

OMIM
Classification: Pathogenic for RETINITIS PIGMENTOSA 4. Last evaluated: 1991-08-01. Review status: no assertion criteria provided. Collection method: literature only. Allele origin: germline. Not counted in ClinVar's aggregate classification.

Literature cited by the submitters: PubMed 1862076 (cited by Labcorp Genetics (formerly Invitae), Labcorp and OMIM); PubMed 10967073 (cited by Labcorp Genetics (formerly Invitae), Labcorp); PubMed 19958124 (cited by Labcorp Genetics (formerly Invitae), Labcorp); PubMed 22791210 (cited by Labcorp Genetics (formerly Invitae), Labcorp); PubMed 19913029 (cited by Labcorp Genetics (formerly Invitae), Labcorp); PubMed 27694816 (cited by Labcorp Genetics (formerly Invitae), Labcorp); PubMed 30240733 (cited by Labcorp Genetics (formerly Invitae), Labcorp).